The following is an entry in ClinVar:

ClinVar aggregate classification (germline): Uncertain significance. Review status: criteria provided, multiple submitters, no conflicts (2 of 4 stars). 3 submissions from 3 submitters: Uncertain significance (3). Last evaluated 2024-10-07.

Conditions:
ODAD2-related disorder. Also called: ODAD2-related condition.
Primary ciliary dyskinesia 23 (CILD23). Also called: CILIARY DYSKINESIA, PRIMARY, 23, WITH OR WITHOUT SITUS INVERSUS. Identifiers: Orphanet 244, MedGen C3809548, MONDO:0014193, OMIM 615451.
Primary ciliary dyskinesia. Also called: Ciliary dyskinesia. Identifiers: Orphanet 244, MedGen C0008780, MONDO:0016575, HP:0012265.

Allele frequency attached by ClinVar (database versions not stated): ExAC 0.00010; gnomAD 0.00011 and 0.00009; gnomAD exomes 0.00006; TOPMed 0.00009.
gnomAD v4.1: 139 of 1,613,436 alleles (0.0086%); highest among the groups gnomAD compares: African/African-American, 0.012%; 1 homozygote.

Submissions (3):

PreventionGenetics, part of Exact Sciences
Classification: Uncertain significance for ODAD2-related condition. Last evaluated: 2024-10-07. Review status: criteria provided, single submitter. Criteria: ACMG Guidelines, 2015. Collection method: clinical testing. Allele origin: germline.
Comment: The ODAD2 c.2258G>A variant is predicted to result in the amino acid substitution p.Arg753Gln. To our knowledge, this variant has not been reported in the literature. This variant is reported in 0.0093% of alleles in individuals of European (Non-Finnish) descent in gnomAD. At this time, the clinical significance of this variant is uncertain due to the absence of conclusive functional and genetic evidence.

Ambry Genetics
Classification: Uncertain significance for Primary ciliary dyskinesia. Last evaluated: 2024-09-26. Review status: criteria provided, single submitter. Criteria: Ambry Variant Classification Scheme 2023. Collection method: clinical testing. Allele origin: germline.

Labcorp Genetics (formerly Invitae), Labcorp
Classification: Uncertain significance for Primary ciliary dyskinesia 23. Last evaluated: 2022-10-04. Review status: criteria provided, single submitter. Criteria: Invitae Variant Classification Sherloc (09022015). Collection method: clinical testing. Allele origin: germline.
Comment: This sequence change replaces arginine, which is basic and polar, with glutamine, which is neutral and polar, at codon 753 of the ARMC4 protein (p.Arg753Gln). This variant is present in population databases (rs760325470, gnomAD 0.009%). This variant has not been reported in the literature in individuals affected with ARMC4-related conditions. ClinVar contains an entry for this variant (Variation ID: 541493). Algorithms developed to predict the effect of missense changes on protein structure and function (SIFT, PolyPhen-2, Align-GVGD) all suggest that this variant is likely to be tolerated. Algorithms developed to predict the effect of sequence changes on RNA splicing suggest that this variant may create or strengthen a splice site. In summary, the available evidence is currently insufficient to determine the role of this variant in disease. Therefore, it has been classified as a Variant of Uncertain Significance.

NM_018076.5(ODAD2):c.2258G>A (p.Arg753Gln)

Gene: ODAD2 (outer dynein arm docking complex subunit 2; minus strand). Cytogenetic location: 10p12.1.
Variant type: single nucleotide variant.
Coding change: c.2258G>A on transcript NM_018076.5 (MANE Select); coding-DNA position 2258, G replaced by A.
Protein change: p.Arg753Gln; replaces arginine 753 with glutamine.
Molecular consequence: missense variant.
Genome position (GRCh38, 1-based): chr10:27,935,247, C>T on the plus strand (G>A on the coding strand, the complement: ODAD2 is on the minus strand). VCF-style: chr10-27935247-C-T. GRCh37 (hg19) VCF-style: chr10-28224176-C-T.
Other names: c.2258G>A (NM_018076.4); c.2258G>A, p.Arg753Gln (NM_001290020.2); c.833G>A, p.Arg278Gln (NM_001290021.2); c.1334G>A, p.Arg445Gln (NM_001312689.2); short protein forms R753Q, R278Q, R445Q.
Identifiers: ClinVar variation 541493 (VCV000541493.11), dbSNP rs760325470, ClinGen allele CA5453243.